The following is an entry in ClinVar:

ClinVar aggregate classification (germline): Conflicting classifications of pathogenicity. Review status: criteria provided, conflicting classifications (1 of 4 stars). 2 submissions from 2 submitters: Uncertain significance (1); Likely benign (1). Last evaluated 2023-03-23.

Conditions:
Hereditary cancer-predisposing syndrome. Also called: Neoplastic Syndromes, Hereditary; Tumor predisposition; Hereditary Cancer Syndrome; Hereditary neoplastic syndrome. Identifiers: Orphanet 140162, MedGen C0027672, MeSH D009386, MONDO:0015356.

gnomAD v4.1: 1 of 1,613,688 alleles (0.000062%); highest among the groups gnomAD compares: Non-Finnish European, 0.000085%; no homozygotes.

Submissions (2):

University of Washington Department of Laboratory Medicine, University of Washington
Classification: Likely benign for Hereditary cancer-predisposing syndrome. Last evaluated: 2023-03-23. Review status: criteria provided, single submitter. Criteria: Dines et al. (Genet Med. 2020). Collection method: curation. Allele origin: germline.
Comment: Missense variant in a coldspot region where missense variants are very unlikely to be pathogenic (PMID:31911673).

BRCA2 exon 10 coldspot. Reclassification based on statistical prior probability.

Ambry Genetics
Classification: Uncertain significance for Hereditary cancer-predisposing syndrome. Last evaluated: 2023-01-13. Review status: criteria provided, single submitter. Criteria: Ambry Variant Classification Scheme 2023. Collection method: clinical testing. Allele origin: germline.
Comment: The p.N369K variant (also known as c.1107T>G), located in coding exon 9 of the BRCA2 gene, results from a T to G substitution at nucleotide position 1107. The asparagine at codon 369 is replaced by lysine, an amino acid with similar properties. This amino acid position is not well conserved in available vertebrate species. In addition, this alteration is predicted to be tolerated by in silico analysis. Since supporting evidence is limited at this time, the clinical significance of this alteration remains unclear.

NM_000059.4(BRCA2):c.1107T>G (p.Asn369Lys)

Gene: BRCA2 (BRCA2 DNA repair associated; plus strand). Cytogenetic location: 13q13.1.
Variant type: single nucleotide variant.
Coding change: c.1107T>G on transcript NM_000059.4 (MANE Select); coding-DNA position 1107, T replaced by G.
Protein change: p.Asn369Lys; replaces asparagine 369 with lysine.
Molecular consequence: missense variant.
Genome position (GRCh38, 1-based): chr13:32,332,585, T>G. VCF-style: chr13-32332585-T-G. GRCh37 (hg19) VCF-style: chr13-32906722-T-G.
Other names: short protein forms N369K.
Identifiers: ClinVar variation 232484 (VCV000232484.8), dbSNP rs876659793, ClinGen allele CA10579482.
Genomic context (GRCh38, chr13:32,332,585, plus strand): 5'-AGAAAAATACTCATTTGTATCTGAAGTGGAACCAAATGATACTGATCCATTAGATTCAAA[T>G]GTAGCAAATCAGAAGCCCTTTGAGAGTGGAAGTGACAAAATCTCCAAGGAAGTTGTACCG-3'
Protein context (NP_000050.3, residues 359-379): EPNDTDPLDS[Asn369Lys]VANQKPFESG